The following is an entry in ClinVar:

NM_001366722.1(GRIP1):c.861T>C (p.Ser287=)

Gene: GRIP1 (glutamate receptor interacting protein 1; minus strand). Cytogenetic location: 12q14.3.
Variant type: single nucleotide variant.
Coding change: c.861T>C on transcript NM_001366722.1 (MANE Select); coding-DNA position 861, T replaced by C.
Protein change: p.Ser287=; no amino-acid change (serine 287 retained).
Molecular consequence: synonymous variant.
Genome position (GRCh38, 1-based): chr12:66,465,286, A>G on the plus strand (T>C on the coding strand, the complement: GRIP1 is on the minus strand). VCF-style: chr12-66465286-A-G. GRCh37 (hg19) VCF-style: chr12-66859066-A-G.
Other names: c.861T>C, p.Ser287= (NM_001178074.2, NM_001379346.1, NM_021150.4); c.939T>C, p.Ser313= (NM_001366723.1, NM_001366724.1, NM_001379345.1 and 2 more transcripts); c.864T>C, p.Ser288= (NM_001379349.1, NM_001379351.1).
Identifiers: ClinVar variation 3061683 (VCV003061683.2), dbSNP rs2059255635, ClinGen allele CA480574802.

ClinVar aggregate classification (germline): Likely benign (0 of 4 stars; one submission).

Conditions:
GRIP1-related disorder. Also called: GRIP1-related condition.

Allele frequency attached by ClinVar (database versions not stated): gnomAD exomes below 0.00001.
gnomAD v4.1: 1 of 1,613,346 alleles (0.000062%); highest among the groups gnomAD compares: South Asian, 0.0011%; no homozygotes.

Submission:

PreventionGenetics, part of Exact Sciences
Classification: Likely benign for GRIP1-related condition. Last evaluated: 2022-02-21. Review status: no assertion criteria provided. Collection method: clinical testing. Allele origin: germline.
Comment: This variant is classified as likely benign based on ACMG/AMP sequence variant interpretation guidelines (Richards et al. 2015 PMID: 25741868, with internal and published modifications).